The following is an entry in ClinVar:

ClinVar aggregate classification (germline): Pathogenic (1 of 4 stars; one submission).

Conditions:
Maple syrup urine disease type 1B (MSUD1B). Also called: MSUD type IB; MSUD type 3 (formerly); MSUD due to deficiency of e1-beta subunit of branched-chain alpha-keto acid dehydrogenase complex. Identifiers: MedGen C2930990, MONDO:0023692, OMIM 620698.

Submission:

Myriad Genetics, Inc.
Classification: Pathogenic for Maple syrup urine disease type 1B. Last evaluated: 2023-11-16. Review status: criteria provided, single submitter. Criteria: Myriad Autosomal Dominant, Autosomal Recessive and X-Linked Classification Criteria (2023). Collection method: clinical testing. Allele origin: unknown.
Comment: NM_183050.2(BCKDHB):c.887_896del10(G296Vfs*6) is expected to be pathogenic in the context of maple syrup urine disease type Ib. This variant is predicted to lead to an abnormal or absent protein product due to the creation of a premature termination codon in BCKDHB, a gene where loss-of-function variants are known to be pathogenic. Please note: this variant was assessed in the context of healthy population screening.

NM_183050.4(BCKDHB):c.887_896del (p.Gly296fs)

Gene: BCKDHB (branched chain keto acid dehydrogenase E1 subunit beta; plus strand). Cytogenetic location: 6q14.1.
Variant type: Deletion.
Coding change: c.887_896del on transcript NM_183050.4 (MANE Select); coding-DNA positions 887 to 896, 10 bases deleted (GAGTGTCTTG; older notation c.887_896delGAGTGTCTTG).
Protein change: p.Gly296fs; shifts the reading frame from glycine 296.
Molecular consequence: frameshift variant. On other transcripts: non-coding transcript variant (6).
Genome position (GRCh38, 1-based): chr6:80,203,148-80,203,157, GAGTGTCTTG deleted; deleting any 10 consecutive bases within chr6:80,203,144-80,203,157 gives the same sequence; the c. name uses the placement nearest the transcript's 3' end. VCF-style (leftmost placement, unchanged base first): chr6-80203143-GCTTGGAGTGT-G. GRCh37 (hg19) VCF-style: chr6-80912860-GCTTGGAGTGT-G.
Other names: c.887_896del, p.Gly296fs (NM_000056.5, NM_001424035.1, NM_001424036.1 and 7 more transcripts); c.677_686del, p.Gly226fs (NM_001318975.1, NM_001424043.1); short protein forms G226fs, G296fs.
Identifiers: ClinVar variation 5012492 (VCV005012492.1).
Genomic context (GRCh38, chr6:80,203,143, plus strand): 5'-ATTTTTCTCTTTATTTCAGGTTCATGTGATCCGAGAGGTAGCTTCCATGGCAAAAGAAAA[GCTTGGAGTGT>G]CTTGTGAAGTCATTGATCTGAGGACTATAATACCTTGGGATGTGGACACAATTTGTAAGG-3'